The following is an entry in ClinVar:

ClinVar aggregate classification (germline): Pathogenic/Likely pathogenic. Review status: criteria provided, multiple submitters, no conflicts (2 of 4 stars). 2 submissions from 2 submitters: Pathogenic (1); Likely pathogenic (1). Last evaluated 2024-04-09.

Conditions:
Mitochondrial complex I deficiency. Also called: NADH:Q(1) OXIDOREDUCTASE DEFICIENCY. Identifiers: Orphanet 2609, MedGen C1838979, MeSH C537475, MONDO:0100133.

Submissions (2):

Natera, Inc.
Classification: Likely pathogenic for Mitochondrial complex I deficiency. Last evaluated: 2024-04-09. Review status: criteria provided, single submitter. Criteria: Natera Variant Classification Schema (03/2026). Collection method: clinical testing. Allele origin: germline.
Comment: The c.174G>A variant in NDUFAF5 is a nonsense variant predicted to introduce a stop codon at amino acid 58. This variant is expected to result in nonsense mediated decay, truncation, or a dysfunctional protein product. This variant is rare in the general population with a frequency below the threshold expected for the associated phenotype(s). Given the available evidence, this variant is classified as Likely Pathogenic.

Labcorp Genetics (formerly Invitae), Labcorp
Classification: Pathogenic. Last evaluated: 2023-08-28. Review status: criteria provided, single submitter. Criteria: Invitae Variant Classification Sherloc (09022015). Collection method: clinical testing. Allele origin: germline.
Comment: For these reasons, this variant has been classified as Pathogenic. This variant has not been reported in the literature in individuals affected with NDUFAF5-related conditions. This variant is not present in population databases (gnomAD no frequency). This sequence change creates a premature translational stop signal (p.Trp58*) in the NDUFAF5 gene. It is expected to result in an absent or disrupted protein product. Loss-of-function variants in NDUFAF5 are known to be pathogenic (PMID: 26275793, 30473481, 32918965).

Literature cited by the submitters: PubMed 26275793 (cited by Labcorp Genetics (formerly Invitae), Labcorp); PubMed 30473481 (cited by Labcorp Genetics (formerly Invitae), Labcorp); PubMed 32918965 (cited by Labcorp Genetics (formerly Invitae), Labcorp).

NM_024120.5(NDUFAF5):c.174G>A (p.Trp58Ter)

Genes: NDUFAF5 (NADH:ubiquinone oxidoreductase complex assembly factor 5; plus strand), LOC130065433 (ATAC-STARR-seq lymphoblastoid active region 17552; plus strand). Cytogenetic location: 20p12.1.
Variant type: single nucleotide variant.
Coding change: c.174G>A on transcript NM_024120.5 (MANE Select); coding-DNA position 174, G replaced by A.
Protein change: p.Trp58Ter; replaces tryptophan 58 with a stop codon.
Molecular consequence: nonsense. On other transcripts: 5 prime UTR variant (3), non-coding transcript variant (7).
Genome position (GRCh38, 1-based): chr20:13,785,242, G>A. VCF-style: chr20-13785242-G-A. GRCh37 (hg19) VCF-style: chr20-13765888-G-A.
Other names: c.174G>A (NM_024120.4); c.174G>A, p.Trp58Ter (NM_001039375.3, NM_001352408.2); c.-194G>A (NM_001352403.2); c.-408G>A (NM_001352406.2); c.-522G>A (NM_001352407.2); short protein forms W58*.
Identifiers: ClinVar variation 2889767 (VCV002889767.4), dbSNP rs773120608, ClinGen allele CA408282404.